The following is an entry in ClinVar:

ClinVar aggregate classification (germline): Uncertain significance. Review status: criteria provided, multiple submitters, no conflicts (2 of 4 stars). 2 submissions from 2 submitters: Uncertain significance (2). Last evaluated 2024-12-13.

Conditions:
CEP290-related disorder. Also called: CEP290-related disorders; CEP290-related condition. Identifiers: MedGen CN239314.
Joubert syndrome. Also called: JOUBERT-BOLTSHAUSER SYNDROME; Familial aplasia of the vermis. Identifiers: Orphanet 475, MedGen C5979921, MONDO:0018772.
Nephronophthisis. Also called: Juvenile Nephronophthisis. Identifiers: Orphanet 655, MedGen C0687120, MONDO:0019005, HP:0000090.
Meckel-Gruber syndrome. Also called: DYSENCEPHALIA SPLANCHNOCYSTICA; GRUBER SYNDROME; Dysencephalia splachnocystica. Identifiers: Orphanet 564, MedGen C0265215, MONDO:0018921.

Allele frequency attached by ClinVar (database versions not stated): gnomAD 0.00001.

Submissions (2):

PreventionGenetics, part of Exact Sciences
Classification: Uncertain significance for CEP290-related condition. Last evaluated: 2024-12-13. Review status: criteria provided, single submitter. Criteria: ACMG Guidelines, 2015. Collection method: clinical testing. Allele origin: germline.
Comment: The CEP290 c.454A>G variant is predicted to result in the amino acid substitution p.Asn152Asp. To our knowledge, this variant has not been reported in the literature or in a large population database (gnomAD), indicating this variant is rare. At this time, the clinical significance of this variant is uncertain due to the absence of conclusive functional and genetic evidence.

Labcorp Genetics (formerly Invitae), Labcorp
Classification: Uncertain significance for Joubert syndrome; Meckel-Gruber syndrome; Nephronophthisis. Last evaluated: 2024-10-03. Review status: criteria provided, single submitter. Criteria: Invitae Variant Classification Sherloc (09022015). Collection method: clinical testing. Allele origin: germline.
Comment: This sequence change replaces asparagine, which is neutral and polar, with aspartic acid, which is acidic and polar, at codon 152 of the CEP290 protein (p.Asn152Asp). This variant is not present in population databases (gnomAD no frequency). This variant has not been reported in the literature in individuals affected with CEP290-related conditions. ClinVar contains an entry for this variant (Variation ID: 2116665). Invitae Evidence Modeling of protein sequence and biophysical properties (such as structural, functional, and spatial information, amino acid conservation, physicochemical variation, residue mobility, and thermodynamic stability) has been performed for this missense variant. However, the output from this modeling did not meet the statistical confidence thresholds required to predict the impact of this variant on CEP290 protein function. In summary, the available evidence is currently insufficient to determine the role of this variant in disease. Therefore, it has been classified as a Variant of Uncertain Significance.

NM_025114.4(CEP290):c.454A>G (p.Asn152Asp)

Gene: CEP290 (centrosomal protein 290; minus strand). Cytogenetic location: 12q21.32.
Variant type: single nucleotide variant.
Coding change: c.454A>G on transcript NM_025114.4 (MANE Select); coding-DNA position 454, A replaced by G.
Protein change: p.Asn152Asp; replaces asparagine 152 with aspartic acid.
Molecular consequence: missense variant.
Genome position (GRCh38, 1-based): chr12:88,131,206, T>C on the plus strand (A>G on the coding strand, the complement: CEP290 is on the minus strand). VCF-style: chr12-88131206-T-C. GRCh37 (hg19) VCF-style: chr12-88524983-T-C.
Other names: c.454A>G (NM_025114.3); short protein forms N152D.
Identifiers: ClinVar variation 2116665 (VCV002116665.5), dbSNP rs2040045927, ClinGen allele CA385986676.